The following is an entry in ClinVar:

ClinVar aggregate classification (germline): Uncertain significance (1 of 4 stars; one submission).

Allele frequency attached by ClinVar (database versions not stated): TOPMed 0.00001; gnomAD 0.00003.

Submission:

Labcorp Genetics (formerly Invitae), Labcorp
Classification: Uncertain significance. Last evaluated: 2026-01-14. Review status: criteria provided, single submitter. Criteria: Invitae Variant Classification Sherloc (09022015). Collection method: clinical testing. Allele origin: germline.
Comment: This sequence change replaces glycine, which is neutral and non-polar, with glutamic acid, which is acidic and polar, at codon 699 of the MYLK3 protein (p.Gly699Glu). This variant is present in population databases (no rsID available, gnomAD 0.007%). This variant has not been reported in the literature in individuals affected with MYLK3-related conditions. ClinVar contains an entry for this variant (Variation ID: 1375447). An algorithm developed to predict the effect of missense changes on protein structure and function (PolyPhen-2) suggests that this variant is likely to be disruptive. In summary, the available evidence is currently insufficient to determine the role of this variant in disease. Therefore, it has been classified as a Variant of Uncertain Significance.

NM_182493.3(MYLK3):c.2096G>A (p.Gly699Glu)

Gene: MYLK3 (myosin light chain kinase 3; minus strand). Cytogenetic location: 16q11.2.
Variant type: single nucleotide variant.
Coding change: c.2096G>A on transcript NM_182493.3 (MANE Select); coding-DNA position 2096, G replaced by A.
Protein change: p.Gly699Glu; replaces glycine 699 with glutamic acid.
Molecular consequence: missense variant.
Genome position (GRCh38, 1-based): chr16:46,712,666, C>T on the plus strand (G>A on the coding strand, the complement: MYLK3 is on the minus strand). VCF-style: chr16-46712666-C-T. GRCh37 (hg19) VCF-style: chr16-46746578-C-T.
Other names: c.1073G>A, p.Gly358Glu (NM_001308301.1); short protein forms G358E, G699E.
Identifiers: ClinVar variation 1375447 (VCV001375447.8), dbSNP rs774291746, ClinGen allele CA395787769.